The following is an entry in ClinVar:

ClinVar aggregate classification (germline): Likely benign. Review status: criteria provided, multiple submitters, no conflicts (2 of 4 stars). 6 submissions from 6 submitters: Likely benign (4). 2 of the submissions do not count toward it. Last evaluated 2026-07-01.

Conditions:
GANAB-related disorder. Also called: GANAB-related condition.
Autosomal dominant polycystic liver disease. Also called: Congenital cystic disease of liver; Polycystic liver disease. Identifiers: Orphanet 2924, MedGen C0158683, MONDO:0000447, HP:0006557.

Allele frequency attached by ClinVar (database versions not stated): ESP Exome Variant Server 0.00085; gnomAD 0.00090 and 0.00084; gnomAD exomes 0.00098 and 0.00068; 1000 Genomes Project 30x 0.00031; 1000 Genomes Project 0.00040; TOPMed 0.00064; ExAC 0.00073.
gnomAD v4.1: 1,547 of 1,614,184 alleles (0.096%); highest among the groups gnomAD compares: Non-Finnish European, 0.11%; 3 homozygotes.

Submissions (6):

CeGaT Center for Human Genetics Tuebingen
Classification: Likely benign. Last evaluated: 2026-07-01. Review status: criteria provided, single submitter. Criteria: CeGaT Center For Human Genetics Tuebingen Variant Classification Criteria Version 2. Collection method: clinical testing. Allele origin: germline. Affected: yes. Observed: 1 variant allele.
Comment: GANAB: BS2

Labcorp Genetics (formerly Invitae), Labcorp
Classification: Likely benign. Last evaluated: 2025-10-08. Review status: criteria provided, single submitter. Criteria: Invitae Variant Classification Sherloc (09022015). Collection method: clinical testing. Allele origin: germline.

Blueprint Genetics
Classification: Likely benign. Last evaluated: 2024-11-25. Review status: criteria provided, single submitter. Criteria: ACMG Guidelines, 2015. Collection method: clinical testing. Allele origin: germline.

GeneDx
Classification: Likely benign. Last evaluated: 2022-08-08. Review status: criteria provided, single submitter. Criteria: GeneDx Variant Classification Process June 2021. Collection method: clinical testing. Allele origin: germline. Affected: yes.
Comment: See Variant Classification Assertion Criteria.

PreventionGenetics, part of Exact Sciences
Classification: Likely benign for GANAB-related condition. Last evaluated: 2022-12-04. Review status: no assertion criteria provided. Collection method: clinical testing. Allele origin: germline. Not counted in ClinVar's aggregate classification.
Comment: This variant is classified as likely benign based on ACMG/AMP sequence variant interpretation guidelines (Richards et al. 2015 PMID: 25741868, with internal and published modifications).

Laboratory of Gastroenterology and Hepatology, Radboud University Medical Center
Classification: Benign for Autosomal dominant polycystic liver disease. Last evaluated: 2021-09-01. Review status: no assertion criteria provided. Collection method: research. Allele origin: germline. Affected: yes. Not counted in ClinVar's aggregate classification.

NM_198334.3(GANAB):c.1399G>A (p.Val467Ile)

Gene: GANAB (glucosidase II alpha subunit; minus strand). Cytogenetic location: 11q12.3.
Variant type: single nucleotide variant.
Coding change: c.1399G>A on transcript NM_198334.3 (MANE Select); coding-DNA position 1399, G replaced by A.
Protein change: p.Val467Ile; replaces valine 467 with isoleucine.
Molecular consequence: missense variant.
Genome position (GRCh38, 1-based): chr11:62,630,493, C>T on the plus strand (G>A on the coding strand, the complement: GANAB is on the minus strand). VCF-style: chr11-62630493-C-T. GRCh37 (hg19) VCF-style: chr11-62397965-C-T.
Other names: c.1123G>A, p.Val375Ile (NM_001278192.2); c.1057G>A, p.Val353Ile (NM_001278193.2); c.1108G>A, p.Val370Ile (NM_001278194.2, NM_001329222.2, NM_001329223.2); c.676G>A, p.Val226Ile (NM_001329224.2, NM_001329225.2); c.1465G>A, p.Val489Ile (NM_198335.4); c.1465G>A (NM_198335.3); short protein forms V226I, V353I, V370I, V375I, V467I, V489I.
Identifiers: ClinVar variation 1255594 (VCV001255594.29), dbSNP rs150463377, ClinGen allele CA6050786.